The following is an entry in ClinVar:

NM_016341.4(PLCE1):c.2154C>T (p.Asp718=)

Gene: PLCE1 (phospholipase C epsilon 1; plus strand). Cytogenetic location: 10q23.33.
Variant type: single nucleotide variant.
Coding change: c.2154C>T on transcript NM_016341.4 (MANE Select); coding-DNA position 2154, C replaced by T.
Protein change: p.Asp718=; no amino-acid change (aspartic acid 718 retained).
Molecular consequence: synonymous variant.
Genome position (GRCh38, 1-based): chr10:94,234,252, C>T. VCF-style: chr10-94234252-C-T. GRCh37 (hg19) VCF-style: chr10-95994009-C-T.
Other names: c.1230C>T, p.Asp410= (NM_001165979.2); c.2154C>T, p.Asp718= (NM_001288989.2); c.2154C>T (NM_016341.3).
Identifiers: ClinVar variation 2066775 (VCV002066775.6), dbSNP rs745465546, ClinGen allele CA5612563.
Genomic context (GRCh38, chr10:94,234,252, plus strand): 5'-TGGCTGTAAGGTGGTTCCATTCTGTGGGGTGTTTCTGAAGGAGCTCTGTGAAGTGCTTGA[C>T]GGCGCCTCCGGTCTCATGAAGCTTTGCCCGCGGTACAATTCCCAAGAAGAAACTTTAGAG-3'
Protein context (NP_057425.3, residues 708-728): VFLKELCEVL[Asp718=]GASGLMKLCP

ClinVar aggregate classification (germline): Likely benign. Review status: criteria provided, single submitter (1 of 4 stars). 2 submissions from 2 submitters: Likely benign (1). 1 of the submissions does not count toward it. Last evaluated 2025-06-12.

Conditions:
PLCE1-related disorder. Also called: PLCE1-related condition.

Allele frequency attached by ClinVar (database versions not stated): ExAC 0.00002; gnomAD exomes 0.00002; gnomAD 0.00009; TOPMed 0.00011.
gnomAD v4.1: 42 of 1,613,932 alleles (0.0026%); highest among the groups gnomAD compares: African/African-American, 0.029%; no homozygotes.

Submissions (2):

Labcorp Genetics (formerly Invitae), Labcorp
Classification: Likely benign. Last evaluated: 2025-06-12. Review status: criteria provided, single submitter. Criteria: Invitae Variant Classification Sherloc (09022015). Collection method: clinical testing. Allele origin: germline.

PreventionGenetics, part of Exact Sciences
Classification: Likely benign for PLCE1-related condition. Last evaluated: 2019-05-23. Review status: no assertion criteria provided. Collection method: clinical testing. Allele origin: germline. Not counted in ClinVar's aggregate classification.
Comment: This variant is classified as likely benign based on ACMG/AMP sequence variant interpretation guidelines (Richards et al. 2015 PMID: 25741868, with internal and published modifications).